The following is an entry in ClinVar:

ClinVar aggregate classification (germline): Uncertain significance (1 of 4 stars; one submission).

Allele frequency attached by ClinVar (database versions not stated): ESP Exome Variant Server 0.00008.
gnomAD v4.1: 8 of 1,613,432 alleles (0.0005%); highest among the groups gnomAD compares: Non-Finnish European, 0.00068%; no homozygotes.

Submission:

Labcorp Genetics (formerly Invitae), Labcorp
Classification: Uncertain significance. Last evaluated: 2022-03-11. Review status: criteria provided, single submitter. Criteria: Invitae Variant Classification Sherloc (09022015). Collection method: clinical testing. Allele origin: germline.
Comment: This sequence change replaces arginine, which is basic and polar, with glycine, which is neutral and non-polar, at codon 525 of the MYLK3 protein (p.Arg525Gly). This variant is present in population databases (rs143794902, gnomAD 0.0009%). This variant has not been reported in the literature in individuals affected with MYLK3-related conditions. Algorithms developed to predict the effect of missense changes on protein structure and function are either unavailable or do not agree on the potential impact of this missense change (SIFT: "Tolerated"; PolyPhen-2: "Probably Damaging"; Align-GVGD: "Class C0"). In summary, the available evidence is currently insufficient to determine the role of this variant in disease. Therefore, it has been classified as a Variant of Uncertain Significance.

NM_182493.3(MYLK3):c.1573C>G (p.Arg525Gly)

Gene: MYLK3 (myosin light chain kinase 3; minus strand). Cytogenetic location: 16q11.2.
Variant type: single nucleotide variant.
Coding change: c.1573C>G on transcript NM_182493.3 (MANE Select); coding-DNA position 1573, C replaced by G.
Protein change: p.Arg525Gly; replaces arginine 525 with glycine.
Molecular consequence: missense variant.
Genome position (GRCh38, 1-based): chr16:46,729,683, G>C on the plus strand (C>G on the coding strand, the complement: MYLK3 is on the minus strand). VCF-style: chr16-46729683-G-C. GRCh37 (hg19) VCF-style: chr16-46763595-G-C.
Other names: c.550C>G, p.Arg184Gly (NM_001308301.1); short protein forms R184G, R525G.
Identifiers: ClinVar variation 1956654 (VCV001956654.5), dbSNP rs143794902, ClinGen allele CA8037917.